The following is an entry in ClinVar:

ClinVar aggregate classification (germline): Uncertain significance (1 of 4 stars; one submission).

Allele frequency attached by ClinVar (database versions not stated): gnomAD exomes below 0.00001.
gnomAD v4.1: 1 of 1,614,238 alleles (0.000062%); highest among the groups gnomAD compares: South Asian, 0.0011%; no homozygotes.

Submission:

Ambry Genetics
Classification: Uncertain significance. Last evaluated: 2024-07-21. Review status: criteria provided, single submitter. Criteria: Ambry Variant Classification Scheme 2023. Collection method: clinical testing. Allele origin: germline.
Comment: The p.N2137H variant (also known as c.6409A>C), located in coding exon 12 of the ALPK2 gene, results from an A to C substitution at nucleotide position 6409. The asparagine at codon 2137 is replaced by histidine, an amino acid with similar properties. This amino acid position is conserved. In addition, this alteration is predicted to be tolerated by in silico analysis. Since supporting evidence is limited at this time, the clinical significance of this alteration remains unclear.

NM_052947.4(ALPK2):c.6409A>C (p.Asn2137His)

Gene: ALPK2 (alpha kinase 2; minus strand). Cytogenetic location: 18q21.31.
Variant type: single nucleotide variant.
Coding change: c.6409A>C on transcript NM_052947.4 (MANE Select); coding-DNA position 6409, A replaced by C.
Protein change: p.Asn2137His; replaces asparagine 2137 with histidine.
Molecular consequence: missense variant.
Genome position (GRCh38, 1-based): chr18:58,481,927, T>G on the plus strand (A>C on the coding strand, the complement: ALPK2 is on the minus strand). VCF-style: chr18-58481927-T-G. GRCh37 (hg19) VCF-style: chr18-56149159-T-G.
Other names: short protein forms N2137H.
Identifiers: ClinVar variation 1753360 (VCV001753360.3), dbSNP rs2518842663, ClinGen allele CA402538552.